The following is an entry in ClinVar:

NM_203447.4(DOCK8):c.5481dup (p.Arg1828Ter)

Gene: DOCK8 (dedicator of cytokinesis 8; plus strand). Cytogenetic location: 9p24.3.
Variant type: Duplication.
Coding change: c.5481dup on transcript NM_203447.4 (MANE Select); coding-DNA position 5481, one base duplicated (T; older notation c.5481dupT).
Protein change: p.Arg1828Ter; replaces arginine 1828 with a stop codon.
Molecular consequence: nonsense.
Genome position (GRCh38, 1-based): chr9:442,000, T duplicated. VCF-style (leftmost placement, unchanged base first): chr9-441999-A-AT. GRCh37 (hg19) VCF-style: chr9-441999-A-AT.
Other names: c.5181dup, p.Arg1728Ter (NM_001190458.2); c.5277dup, p.Arg1760Ter (NM_001193536.2); short protein forms R1728*, R1760*, R1828*.
Identifiers: ClinVar variation 1071623 (VCV001071623.12), dbSNP rs2131814069, ClinGen allele CA2499219913.

ClinVar aggregate classification (germline): Pathogenic (1 of 4 stars; one submission).

Conditions:
Combined immunodeficiency due to DOCK8 deficiency (HIES2). Also called: Hyper-IgE recurrent infection syndrome, autosomal recessive; DOCK8 Deficiency; HIES autosomal recessive; HYPER-IgE RECURRENT INFECTION SYNDROME 2, AUTOSOMAL RECESSIVE; HYPER-IgE SYNDROME 2, AUTOSOMAL RECESSIVE, WITH RECURRENT INFECTIONS. Identifiers: Orphanet 217390, MedGen C4722305, MONDO:0009478, OMIM 243700.

Submission:

Labcorp Genetics (formerly Invitae), Labcorp
Classification: Pathogenic for Combined immunodeficiency due to DOCK8 deficiency. Last evaluated: 2022-04-12. Review status: criteria provided, single submitter. Criteria: Invitae Variant Classification Sherloc (09022015). Collection method: clinical testing. Allele origin: germline.
Comment: For these reasons, this variant has been classified as Pathogenic. ClinVar contains an entry for this variant (Variation ID: 1071623). This variant has not been reported in the literature in individuals affected with DOCK8-related conditions. This variant is not present in population databases (gnomAD no frequency). This sequence change creates a premature translational stop signal (p.Arg1828*) in the DOCK8 gene. It is expected to result in an absent or disrupted protein product. Loss-of-function variants in DOCK8 are known to be pathogenic (PMID: 14722525, 19776401).

Literature cited by the submitters: PubMed 14722525; PubMed 19776401.